The following is an entry in ClinVar:

NM_001142784.3(IL11RA):c.128C>T (p.Ser43Phe)

Gene: IL11RA (interleukin 11 receptor subunit alpha; plus strand). Cytogenetic location: 9p13.3.
Variant type: single nucleotide variant.
Coding change: c.128C>T on transcript NM_001142784.3 (MANE Select); coding-DNA position 128, C replaced by T.
Protein change: p.Ser43Phe; replaces serine 43 with phenylalanine.
Molecular consequence: missense variant. On other transcripts: non-coding transcript variant (1).
Genome position (GRCh38, 1-based): chr9:34,655,632, C>T. VCF-style: chr9-34655632-C-T. GRCh37 (hg19) VCF-style: chr9-34655629-C-T.
Other names: short protein forms S43F.
Identifiers: ClinVar variation 402971 (VCV000402971.27), dbSNP rs76429508, ClinGen allele CA5036370.

ClinVar aggregate classification (germline): Benign/Likely benign. Review status: criteria provided, multiple submitters, no conflicts (2 of 4 stars). 5 submissions from 5 submitters: Benign (2); Likely benign (3). Last evaluated 2026-01-26.

Allele frequency attached by ClinVar (database versions not stated): gnomAD exomes 0.00142 and 0.00296; ExAC 0.00278; 1000 Genomes Project 0.00379; 1000 Genomes Project 30x 0.00453; gnomAD 0.00572 and 0.00615; ESP Exome Variant Server 0.00630; TOPMed 0.00662.
gnomAD v4.1: 3,100 of 1,614,122 alleles (0.19%); highest among the groups gnomAD compares: African/African-American, 1.6%; 34 homozygotes.

Submissions (5):

Labcorp Genetics (formerly Invitae), Labcorp
Classification: Benign. Last evaluated: 2026-01-26. Review status: criteria provided, single submitter. Criteria: Invitae Variant Classification Sherloc (09022015). Collection method: clinical testing. Allele origin: germline.

CeGaT Center for Human Genetics Tuebingen
Classification: Benign. Last evaluated: 2025-11-01. Review status: criteria provided, single submitter. Criteria: CeGaT Center For Human Genetics Tuebingen Variant Classification Criteria Version 2. Collection method: clinical testing. Allele origin: germline. Affected: yes. Observed: 2 variant alleles.
Comment: IL11RA: BP4, BS1, BS2

GeneDx
Classification: Likely benign. Last evaluated: 2020-09-02. Review status: criteria provided, single submitter. Criteria: GeneDx Variant Classification Process June 2021. Collection method: clinical testing. Allele origin: germline. Affected: yes.
Comment: This variant is associated with the following publications: (PMID: 21741611)

Laboratory for Molecular Medicine, Mass General Brigham Personalized Medicine
Classification: Likely benign. Last evaluated: 2016-03-28. Review status: criteria provided, single submitter. Criteria: LMM Criteria. Collection method: clinical testing. Allele origin: germline.
Comment: Variant identified in a genome or exome case(s) and assessed due to predicted null impact of the variant or pathogenic assertions in the literature or databases. Disclaimer: This variant has not undergone full assessment. The following are preliminary notes: High allele frequency

Breakthrough Genomics
Classification: Likely benign. Review status: criteria provided, single submitter. Criteria: ACMG Guidelines, 2015. Collection method: not provided. Allele origin: germline. Inheritance: Autosomal recessive inheritance. Affected: yes.